The following is an entry in ClinVar:

NM_001130438.3(SPTAN1):c.2624T>C (p.Leu875Pro)

Gene: SPTAN1 (spectrin alpha, non-erythrocytic 1; plus strand). Cytogenetic location: 9q34.11.
Variant type: single nucleotide variant.
Coding change: c.2624T>C on transcript NM_001130438.3 (MANE Select); coding-DNA position 2624, T replaced by C.
Protein change: p.Leu875Pro; replaces leucine 875 with proline.
Molecular consequence: missense variant.
Genome position (GRCh38, 1-based): chr9:128,585,811, T>C. VCF-style: chr9-128585811-T-C. GRCh37 (hg19) VCF-style: chr9-131348090-T-C.
Other names: c.2624T>C, p.Leu875Pro (NM_001195532.2, NM_001363759.2, NM_001363765.2 and 5 more transcripts); c.2660T>C, p.Leu887Pro (NM_001375312.2, NM_001375318.1); short protein forms L875P, L887P.
Identifiers: ClinVar variation 3689165 (VCV003689165.2).
Genomic context (GRCh38, chr9:128,585,811, plus strand): 5'-ATTTTGCTGCAGAGGATGTGAAGGCCAAGCTTCACGAGCTGAACCAAAAGTGGGAGGCAC[T>C]GAAAGCCAAAGCTTCCCAGCGTCGGCAGGACCTGGAGGACTCTCTGCAGGCCCAGCAGTA-3'
Protein context (NP_001123910.1, residues 865-885): LHELNQKWEA[Leu875Pro]KAKASQRRQD

ClinVar aggregate classification (germline): Uncertain significance (1 of 4 stars; one submission).

Conditions:
Early-infantile DEE. Also called: Ohtahara syndrome; Early infantile epileptic encephalopathy with suppression bursts; Early infantile epileptic encephalopathy. Identifiers: Orphanet 1934, MedGen C0393706, MONDO:0800491.

Submission:

Labcorp Genetics (formerly Invitae), Labcorp
Classification: Uncertain significance for Early-infantile DEE. Last evaluated: 2024-11-07. Review status: criteria provided, single submitter. Criteria: Invitae Variant Classification Sherloc (09022015). Collection method: clinical testing. Allele origin: germline.
Comment: This sequence change replaces leucine, which is neutral and non-polar, with proline, which is neutral and non-polar, at codon 875 of the SPTAN1 protein (p.Leu875Pro). This variant is present in population databases (no rsID available, gnomAD 0.003%). This variant has not been reported in the literature in individuals affected with SPTAN1-related conditions. Invitae Evidence Modeling of protein sequence and biophysical properties (such as structural, functional, and spatial information, amino acid conservation, physicochemical variation, residue mobility, and thermodynamic stability) has been performed for this missense variant. However, the output from this modeling did not meet the statistical confidence thresholds required to predict the impact of this variant on SPTAN1 protein function. In summary, the available evidence is currently insufficient to determine the role of this variant in disease. Therefore, it has been classified as a Variant of Uncertain Significance.